The following is an entry in ClinVar:

ClinVar aggregate classification (germline): Uncertain significance (1 of 4 stars; one submission).

Allele frequency attached by ClinVar (database versions not stated): gnomAD exomes 0.00003; ExAC 0.00002; TOPMed 0.00002.
gnomAD v4.1: 28 of 1,187,978 alleles (0.0024%); highest among the groups gnomAD compares: Non-Finnish European, 0.0032%; 2 homozygotes.

Submission:

Ambry Genetics
Classification: Uncertain significance. Last evaluated: 2026-07-20. Review status: criteria provided, single submitter. Criteria: Ambry Variant Classification Scheme 2023. Collection method: clinical testing. Allele origin: germline.
Comment: The c.92G>C (p.G31A) alteration is located in exon 2 (coding exon 2) of the SPANXD gene. This alteration results from a G to C substitution at nucleotide position 92, causing the glycine (G) at amino acid position 31 to be replaced by an alanine (A). Based on data from gnomAD, the C allele has an overall frequency of 0.002% (3/181036) total alleles studied. The highest observed frequency was 0.022% (1/4466) of Other alleles. Based on insufficient or conflicting evidence, the clinical significance of this alteration remains unclear.

NM_032417.4(SPANXD):c.92G>C (p.Gly31Ala)

Gene: SPANXD (SPANX family member D; minus strand). Cytogenetic location: Xq27.2.
Variant type: single nucleotide variant.
Coding change: c.92G>C on transcript NM_032417.4 (MANE Select); coding-DNA position 92, G replaced by C.
Protein change: p.Gly31Ala; replaces glycine 31 with alanine.
Molecular consequence: missense variant.
Genome position (GRCh38, 1-based): chrX:141,697,667, C>G on the plus strand (G>C on the coding strand, the complement: SPANXD is on the minus strand). VCF-style: chrX-141697667-C-G. GRCh37 (hg19) VCF-style: chrX-140785824-C-G.
Other names: short protein forms G31A.
Identifiers: ClinVar variation 3168132 (VCV003168132.2), dbSNP rs782592093, ClinGen allele CA10532352.